The following is an entry in ClinVar:

NM_133510.4(RAD51B):c.638C>A (p.Ala213Asp)

Gene: RAD51B (RAD51 paralog B; plus strand). Cytogenetic location: 14q24.1.
Variant type: single nucleotide variant.
Coding change: c.638C>A on transcript NM_133510.4 (MANE Select); coding-DNA position 638, C replaced by A.
Protein change: p.Ala213Asp; replaces alanine 213 with aspartic acid.
Molecular consequence: missense variant.
Genome position (GRCh38, 1-based): chr14:67,887,086, C>A. VCF-style: chr14-67887086-C-A. GRCh37 (hg19) VCF-style: chr14-68353803-C-A.
Other names: c.638C>A, p.Ala213Asp (NM_001321819.1, NM_001321821.2, NM_002877.6 and 6 more transcripts); c.524C>A, p.Ala175Asp (NM_001321815.1); c.281C>A, p.Ala94Asp (NM_001321817.2); short protein forms A175D, A213D, A94D.
Identifiers: ClinVar variation 4575307 (VCV004575307.1).

ClinVar aggregate classification (germline): Uncertain significance (1 of 4 stars; one submission).

Submission:

Ambry Genetics
Classification: Uncertain significance. Last evaluated: 2025-10-30. Review status: criteria provided, single submitter. Criteria: Ambry Variant Classification Scheme 2023. Collection method: clinical testing. Allele origin: germline.
Comment: The p.A213D variant (also known as c.638C>A), located in coding exon 6 of the RAD51B gene, results from a C to A substitution at nucleotide position 638. The alanine at codon 213 is replaced by aspartic acid, an amino acid with dissimilar properties. This amino acid position is conserved. In addition, this alteration is predicted to be deleterious by in silico analysis. Based on the available evidence, the clinical significance of this variant remains unclear.